The following is an entry in ClinVar:

ClinVar aggregate classification (germline): Uncertain significance. Review status: criteria provided, single submitter (1 of 4 stars). 2 submissions from 2 submitters: Uncertain significance (1). 1 of the submissions does not count toward it. Last evaluated 2024-09-30.

Conditions:
GATA3-related disorder. Also called: GATA3-related condition.

Submissions (2):

Labcorp Genetics (formerly Invitae), Labcorp
Classification: Uncertain significance. Last evaluated: 2024-09-30. Review status: criteria provided, single submitter. Criteria: Invitae Variant Classification Sherloc (09022015). Collection method: clinical testing. Allele origin: germline.
Comment: This sequence change replaces asparagine, which is neutral and polar, with serine, which is neutral and polar, at codon 340 of the GATA3 protein (p.Asn340Ser). This variant is not present in population databases (gnomAD no frequency). This variant has not been reported in the literature in individuals affected with GATA3-related conditions. Invitae Evidence Modeling of protein sequence and biophysical properties (such as structural, functional, and spatial information, amino acid conservation, physicochemical variation, residue mobility, and thermodynamic stability) indicates that this missense variant is expected to disrupt GATA3 protein function with a positive predictive value of 80%. In summary, the available evidence is currently insufficient to determine the role of this variant in disease. Therefore, it has been classified as a Variant of Uncertain Significance.

PreventionGenetics, part of Exact Sciences
Classification: Uncertain significance for GATA3-related condition. Last evaluated: 2023-10-26. Review status: no assertion criteria provided. Collection method: clinical testing. Allele origin: germline. Not counted in ClinVar's aggregate classification.
Comment: The GATA3 c.1019A>G variant is predicted to result in the amino acid substitution p.Asn340Ser. To our knowledge, this variant has not been reported in the literature or in a large population database, indicating this variant is rare. At this time, the clinical significance of this variant is uncertain due to the absence of conclusive functional and genetic evidence.

NM_001002295.2(GATA3):c.1019A>G (p.Asn340Ser)

Gene: GATA3 (GATA binding protein 3; plus strand). Cytogenetic location: 10p14.
Variant type: single nucleotide variant.
Coding change: c.1019A>G on transcript NM_001002295.2 (MANE Select); coding-DNA position 1019, A replaced by G.
Protein change: p.Asn340Ser; replaces asparagine 340 with serine.
Molecular consequence: missense variant.
Genome position (GRCh38, 1-based): chr10:8,069,567, A>G. VCF-style: chr10-8069567-A-G. GRCh37 (hg19) VCF-style: chr10-8111530-A-G.
Other names: c.1016A>G, p.Asn339Ser (NM_002051.3); short protein forms N339S, N340S.
Identifiers: ClinVar variation 3029876 (VCV003029876.4), dbSNP rs2131512201, ClinGen allele CA375975124.